The following is an entry in ClinVar:

ClinVar aggregate classification (germline): Uncertain significance. Review status: criteria provided, multiple submitters, no conflicts (2 of 4 stars). 8 submissions from 8 submitters: Uncertain significance (7). 1 of the submissions does not count toward it. Last evaluated 2024-10-08.

Conditions:
Hereditary cancer-predisposing syndrome. Also called: Tumor predisposition; Neoplastic Syndromes, Hereditary; Hereditary Cancer Syndrome; Hereditary neoplastic syndrome. Identifiers: Orphanet 140162, MedGen C0027672, MeSH D009386, MONDO:0015356.
Fanconi anemia (FA). Also called: Fanconi's anemia. Identifiers: Orphanet 84, MedGen C0015625, MeSH D005199, MONDO:0019391.
Fanconi anemia complementation group C (FANCC). Also called: FANCC-Related Fanconi Anemia; Fanconi anemia, group C; FANCONI PANCYTOPENIA, TYPE 3; FACC. Identifiers: Orphanet 84, MedGen C3468041, MONDO:0009213, OMIM 227645.

Allele frequency attached by ClinVar (database versions not stated): gnomAD 0.00001; gnomAD exomes 0.00002 and 0.00004; TOPMed 0.00002; ExAC 0.00004.
gnomAD v4.1: 36 of 1,614,040 alleles (0.0022%); highest among the groups gnomAD compares: Admixed American, 0.01%; no homozygotes.

Submissions (8):

Blueprint Genetics
Classification: Uncertain significance. Last evaluated: 2024-10-08. Review status: criteria provided, single submitter. Criteria: ACMG Guidelines, 2015. Collection method: clinical testing. Allele origin: germline.

Labcorp Genetics (formerly Invitae), Labcorp
Classification: Uncertain significance for Fanconi anemia. Last evaluated: 2023-12-28. Review status: criteria provided, single submitter. Criteria: Invitae Variant Classification Sherloc (09022015). Collection method: clinical testing. Allele origin: germline.
Comment: This sequence change replaces alanine, which is neutral and non-polar, with threonine, which is neutral and polar, at codon 505 of the FANCC protein (p.Ala505Thr). This variant is present in population databases (rs780179187, gnomAD 0.02%). This variant has not been reported in the literature in individuals affected with FANCC-related conditions. ClinVar contains an entry for this variant (Variation ID: 220138). Advanced modeling of protein sequence and biophysical properties (such as structural, functional, and spatial information, amino acid conservation, physicochemical variation, residue mobility, and thermodynamic stability) has been performed at Invitae for this missense variant, however the output from this modeling did not meet the statistical confidence thresholds required to predict the impact of this variant on FANCC protein function. In summary, the available evidence is currently insufficient to determine the role of this variant in disease. Therefore, it has been classified as a Variant of Uncertain Significance.

Ambry Genetics
Classification: Uncertain significance for Hereditary cancer-predisposing syndrome. Last evaluated: 2023-08-22. Review status: criteria provided, single submitter. Criteria: Ambry Variant Classification Scheme 2023. Collection method: clinical testing. Allele origin: germline.
Comment: The p.A505T variant (also known as c.1513G>A), located in coding exon 13 of the FANCC gene, results from a G to A substitution at nucleotide position 1513. The alanine at codon 505 is replaced by threonine, an amino acid with similar properties. This amino acid position is well conserved in available vertebrate species. In addition, this alteration is predicted to be tolerated by in silico analysis. Since supporting evidence is limited at this time, the clinical significance of this alteration remains unclear.

GeneDx
Classification: Uncertain significance. Last evaluated: 2023-01-26. Review status: criteria provided, single submitter. Criteria: GeneDx Variant Classification Process June 2021. Collection method: clinical testing. Allele origin: germline. Affected: yes.
Comment: In silico analysis supports that this missense variant has a deleterious effect on protein structure/function; Has not been previously published as pathogenic or benign to our knowledge; This variant is associated with the following publications: (PMID: Gordon2000[Book])

Sema4
Classification: Uncertain significance for Fanconi anemia. Last evaluated: 2021-11-19. Review status: criteria provided, single submitter. Criteria: Sema4 Curation Guidelines. Collection method: curation. Allele origin: germline.
Comment: The FANCC c.1513G>A (p.A505T) variant has been reported in heterozygosity in at least 8 individuals with breast or ovarian cancer (PMID: 33471991, 32546565), but what also identified in 6 healthy individuals in a large case-control study (PMID: 33471991). This variant was observed in 4/19952 chromosomes in the East Asian population according to the Genome Aggregation Database (PMID: 32461654), and has been reported in ClinVar (Variation ID: 220138). Functional studies have not been performed, and in silico predictions of the variant's effect on protein function are inconclusive. Based on the current evidence available, this variant is interpreted as a variant of uncertain significance.

Fulgent Genetics
Classification: Uncertain significance for Fanconi anemia complementation group C. Last evaluated: 2021-10-12. Review status: criteria provided, single submitter. Criteria: ACMG Guidelines, 2015. Collection method: clinical testing. Allele origin: unknown.

Department of Pathology and Laboratory Medicine, Sinai Health System
Classification: Uncertain significance for Fanconi anemia complementation group C. Last evaluated: 2020-01-14. Review status: criteria provided, single submitter. Criteria: ACMG Guidelines, 2015. Collection method: clinical testing. Allele origin: germline. Affected: yes.

Natera, Inc.
Classification: Uncertain significance for Fanconi anemia. Last evaluated: 2018-06-11. Review status: no assertion criteria provided. Collection method: clinical testing. Allele origin: germline. Not counted in ClinVar's aggregate classification.

Literature cited by the submitters: PubMed 33471991 (cited by Sema4); PubMed 32546565 (cited by Sema4); PubMed 24390348 (cited by Department of Pathology and Laboratory Medicine, Sinai Health System).

NM_000136.3(FANCC):c.1513G>A (p.Ala505Thr)

Genes: AOPEP (aminopeptidase O (putative); plus strand), FANCC (FA complementation group C; minus strand). Cytogenetic location: 9q22.32.
Variant type: single nucleotide variant.
Coding change: c.1513G>A on transcript NM_000136.3 (MANE Select); coding-DNA position 1513, G replaced by A.
Protein change: p.Ala505Thr; replaces alanine 505 with threonine.
Molecular consequence: missense variant.
Genome position (GRCh38, 1-based): chr9:95,107,086, C>T on the plus strand (G>A on the coding strand, the complement: FANCC is on the minus strand). VCF-style: chr9-95107086-C-T. GRCh37 (hg19) VCF-style: chr9-97869368-C-T.
Other names: c.1513G>A, p.Ala505Thr (NM_001243743.2); short protein forms A505T.
Identifiers: ClinVar variation 220138 (VCV000220138.25), dbSNP rs780179187, ClinGen allele CA348944.
Genomic context (GRCh38, chr9:95,107,086, plus strand): 5'-AGAAATGAGTACTAGGATGCTGGACCACAGGGAGACTTACCAGGGTGATGACATCCCAGG[C>T]GATCGTGTGGCCTCCAGGAGCCCAGAGCAGGAAGTTGAGGAGAAGGTGCCTGATCAGCTG-3'
Protein context (NP_000127.2, residues 495-515): LLWAPGGHTI[Ala505Thr]WDVITLMAHT